The following is an entry in ClinVar:

NM_001903.5(CTNNA1):c.1948G>A (p.Val650Ile)

Gene: CTNNA1 (catenin alpha 1; plus strand). Cytogenetic location: 5q31.2.
Variant type: single nucleotide variant.
Coding change: c.1948G>A on transcript NM_001903.5 (MANE Select); coding-DNA position 1948, G replaced by A.
Protein change: p.Val650Ile; replaces valine 650 with isoleucine.
Molecular consequence: missense variant.
Genome position (GRCh38, 1-based): chr5:138,929,294, G>A. VCF-style: chr5-138929294-G-A. GRCh37 (hg19) VCF-style: chr5-138264983-G-A.
Other names: c.1948G>A, p.Val650Ile (NM_001290307.3, NM_001323982.2, NM_001323983.1 and 2 more transcripts); c.1639G>A, p.Val547Ile (NM_001290309.3); c.1579G>A, p.Val527Ile (NM_001290310.3); c.838G>A, p.Val280Ile (NM_001290312.1, NM_001323987.1, NM_001323988.1 and 17 more transcripts); c.1855G>A, p.Val619Ile (NM_001323986.2); c.499G>A, p.Val167Ile (NM_001324006.1, NM_001324007.1, NM_001324008.1 and 2 more transcripts); c.745G>A, p.Val249Ile (NM_001324011.1); c.595G>A, p.Val199Ile (NM_001324012.1, NM_001324013.1); short protein forms V280I, V167I, V249I, V547I, V619I, V199I, V527I, V650I.
Identifiers: ClinVar variation 1783160 (VCV001783160.3), dbSNP rs2533820631, ClinGen allele CA361132782.
Genomic context (GRCh38, chr5:138,929,294, plus strand): 5'-TCTGGGTGGCAGACCCCTGAGGAGTTGGATGACTCTGACTTTGAGACAGAAGATTTTGAT[G>A]TCAGAAGCAGGACGAGCGTCCAGACAGAAGACGATCAGCTGATAGCTGGCCAGAGTGCCC-3'
Protein context (NP_001894.2, residues 640-660): DSDFETEDFD[Val650Ile]RSRTSVQTED

ClinVar aggregate classification (germline): Uncertain significance (1 of 4 stars; one submission).

Conditions:
Hereditary cancer-predisposing syndrome. Also called: Neoplastic Syndromes, Hereditary; Tumor predisposition; Hereditary Cancer Syndrome; Hereditary neoplastic syndrome. Identifiers: Orphanet 140162, MedGen C0027672, MeSH D009386, MONDO:0015356.

Allele frequency attached by ClinVar (database versions not stated): gnomAD exomes below 0.00001.
gnomAD v4.1: 1 of 1,612,696 alleles (0.000062%); highest among the groups gnomAD compares: South Asian, 0.0011%; no homozygotes.

Submission:

Ambry Genetics
Classification: Uncertain significance for Hereditary cancer-predisposing syndrome. Last evaluated: 2025-12-07. Review status: criteria provided, single submitter. Criteria: Ambry Variant Classification Scheme 2023. Collection method: clinical testing. Allele origin: germline.
Comment: The p.V650I variant (also known as c.1948G>A), located in coding exon 13 of the CTNNA1 gene, results from a G to A substitution at nucleotide position 1948. The valine at codon 650 is replaced by isoleucine, an amino acid with highly similar properties. This amino acid position is well conserved in available vertebrate species. In addition, this alteration is predicted to be tolerated by in silico analysis. Since supporting evidence is limited at this time, the clinical significance of this alteration remains unclear.